The following is an entry in ClinVar:

ClinVar aggregate classification (germline): Likely benign. Review status: criteria provided, multiple submitters, no conflicts (2 of 4 stars). 2 submissions from 2 submitters: Likely benign (2). Last evaluated 2026-09-01.

Conditions:
Hereditary spastic paraplegia 11. Also called: SPASTIC PARAPLEGIA, AUTOSOMAL RECESSIVE, COMPLICATED, WITH THIN CORPUS CALLOSUM; SPASTIC PARAPLEGIA, AUTOSOMAL RECESSIVE, WITH MENTAL IMPAIRMENT AND THIN CORPUS CALLOSUM; Spastic paraplegia, mental retardation and thin corpus callosum; Nakamura Osame syndrome; Autosomal recessive hereditary spastic paraplegia, mental impairment, and thin corpus callosum; Spastic Paraplegia 11. Identifiers: Orphanet 2822, MedGen C1858479, MONDO:0011445, OMIM 604360.

Allele frequency attached by ClinVar (database versions not stated): gnomAD exomes below 0.00001 and 0.00003; ExAC 0.00001; gnomAD 0.00001; TOPMed 0.00001.
gnomAD v4.1: 39 of 1,614,048 alleles (0.0024%); highest among the groups gnomAD compares: Non-Finnish European, 0.0031%; no homozygotes.

Submissions (2):

CeGaT Center for Human Genetics Tuebingen
Classification: Likely benign. Last evaluated: 2026-09-01. Review status: criteria provided, single submitter. Criteria: CeGaT Center For Human Genetics Tuebingen Variant Classification Criteria Version 2. Collection method: clinical testing. Allele origin: germline. Affected: yes. Observed: 1 variant allele.
Comment: SPG11: BP4, BP7

Labcorp Genetics (formerly Invitae), Labcorp
Classification: Likely benign for Hereditary spastic paraplegia 11. Last evaluated: 2023-05-15. Review status: criteria provided, single submitter. Criteria: Invitae Variant Classification Sherloc (09022015). Collection method: clinical testing. Allele origin: germline.

NM_025137.4(SPG11):c.7050T>C (p.Ile2350=)

Gene: SPG11 (SPG11 vesicle trafficking associated, spatacsin; minus strand). Cytogenetic location: 15q21.1.
Variant type: single nucleotide variant.
Coding change: c.7050T>C on transcript NM_025137.4 (MANE Select); coding-DNA position 7050, T replaced by C.
Protein change: p.Ile2350=; no amino-acid change (isoleucine 2350 retained).
Molecular consequence: synonymous variant.
Genome position (GRCh38, 1-based): chr15:44,564,648, A>G on the plus strand (T>C on the coding strand, the complement: SPG11 is on the minus strand). VCF-style: chr15-44564648-A-G. GRCh37 (hg19) VCF-style: chr15-44856846-A-G.
Other names: c.6711T>C, p.Ile2237= (NM_001160227.2).
Identifiers: ClinVar variation 696838 (VCV000696838.11), dbSNP rs758862344, ClinGen allele CA7533910.